The following is an entry in ClinVar:

NM_033026.6(PCLO):c.1076C>A (p.Thr359Lys)

Gene: PCLO (piccolo presynaptic cytomatrix protein; minus strand). Cytogenetic location: 7q21.11.
Variant type: single nucleotide variant.
Coding change: c.1076C>A on transcript NM_033026.6 (MANE Select); coding-DNA position 1076, C replaced by A.
Protein change: p.Thr359Lys; replaces threonine 359 with lysine.
Molecular consequence: missense variant.
Genome position (GRCh38, 1-based): chr7:83,155,565, G>T on the plus strand (C>A on the coding strand, the complement: PCLO is on the minus strand). VCF-style: chr7-83155565-G-T. GRCh37 (hg19) VCF-style: chr7-82784881-G-T.
Other names: c.1076C>A, p.Thr359Lys (NM_014510.3); short protein forms T359K.
Identifiers: ClinVar variation 3620511 (VCV003620511.1).

ClinVar aggregate classification (germline): Uncertain significance (1 of 4 stars; one submission).

gnomAD v4.1: 34 of 1,612,122 alleles (0.0021%); highest among the groups gnomAD compares: Non-Finnish European, 0.0028%; no homozygotes.

Submission:

Labcorp Genetics (formerly Invitae), Labcorp
Classification: Uncertain significance. Last evaluated: 2024-07-01. Review status: criteria provided, single submitter. Criteria: Invitae Variant Classification Sherloc (09022015). Collection method: clinical testing. Allele origin: germline.
Comment: This sequence change replaces threonine, which is neutral and polar, with lysine, which is basic and polar, at codon 359 of the PCLO protein (p.Thr359Lys). This variant is present in population databases (rs749016584, gnomAD 0.005%). This variant has not been reported in the literature in individuals affected with PCLO-related conditions. Experimental studies and prediction algorithms are not available or were not evaluated, and the functional significance of this variant is currently unknown. In summary, the available evidence is currently insufficient to determine the role of this variant in disease. Therefore, it has been classified as a Variant of Uncertain Significance.